The following is an entry in ClinVar:

NM_004526.4(MCM2):c.2477G>A (p.Arg826His)

Genes: MCM2 (minichromosome maintenance complex component 2; plus strand), LOC107986126 (uncharacterized LOC107986126; minus strand). Cytogenetic location: 3q21.3.
Variant type: single nucleotide variant.
Coding change: c.2477G>A on transcript NM_004526.4 (MANE Select); coding-DNA position 2477, G replaced by A.
Protein change: p.Arg826His; replaces arginine 826 with histidine.
Molecular consequence: missense variant. On other transcripts: non-coding transcript variant (1).
Genome position (GRCh38, 1-based): chr3:127,621,101, G>A. VCF-style: chr3-127621101-G-A. GRCh37 (hg19) VCF-style: chr3-127339944-G-A.
Other names: c.2477G>A (NM_004526.3); short protein forms R826H.
Identifiers: ClinVar variation 2379496 (VCV002379496.4), dbSNP rs201882833, ClinGen allele CA2596266.

ClinVar aggregate classification (germline): Uncertain significance. Review status: criteria provided, multiple submitters, no conflicts (2 of 4 stars). 2 submissions from 2 submitters: Uncertain significance (2). Last evaluated 2026-09-02.

Conditions:
MCM2-related disorder. Also called: MCM2-related condition.

Allele frequency attached by ClinVar (database versions not stated): ExAC 0.00002; gnomAD exomes 0.00006; gnomAD 0.00007; TOPMed 0.00007; 1000 Genomes Project 0.00020; 1000 Genomes Project 30x 0.00031.
gnomAD v4.1: 103 of 1,614,232 alleles (0.0064%); highest among the groups gnomAD compares: Non-Finnish European, 0.0081%; no homozygotes.

Submissions (2):

PreventionGenetics, part of Exact Sciences
Classification: Uncertain significance for MCM2-related condition. Last evaluated: 2026-09-02. Review status: criteria provided, single submitter. Criteria: ACMG Guidelines, 2015. Collection method: clinical testing. Allele origin: germline.
Comment: The MCM2 c.2477G>A variant is predicted to result in the amino acid substitution p.Arg826His. To our knowledge, this variant has not been reported in the literature. This variant is reported in 0.010% of alleles in individuals of East Asian descent in gnomAD. At this time, the clinical significance of this variant is uncertain due to the absence of conclusive functional and genetic evidence.

Ambry Genetics
Classification: Uncertain significance. Last evaluated: 2025-01-19. Review status: criteria provided, single submitter. Criteria: Ambry Variant Classification Scheme 2023. Collection method: clinical testing. Allele origin: germline.